The following is an entry in ClinVar:

ClinVar aggregate classification (germline): Uncertain significance (1 of 4 stars; one submission).

Conditions:
Hereditary cancer-predisposing syndrome. Also called: Neoplastic Syndromes, Hereditary; Hereditary Cancer Syndrome; Hereditary neoplastic syndrome; Tumor predisposition. Identifiers: Orphanet 140162, MedGen C0027672, MeSH D009386, MONDO:0015356.

Submission:

Ambry Genetics
Classification: Uncertain significance for Hereditary cancer-predisposing syndrome. Last evaluated: 2023-03-26. Review status: criteria provided, single submitter. Criteria: Ambry Variant Classification Scheme 2023. Collection method: clinical testing. Allele origin: germline.
Comment: The p.G216C variant (also known as c.646G>T), located in coding exon 3 of the PHOX2B gene, results from a G to T substitution at nucleotide position 646. The glycine at codon 216 is replaced by cysteine, an amino acid with highly dissimilar properties. This amino acid position is conserved. In addition, this alteration is predicted to be tolerated by in silico analysis. Since supporting evidence is limited at this time, the clinical significance of this alteration remains unclear.

NM_003924.4(PHOX2B):c.646G>T (p.Gly216Cys)

Gene: PHOX2B (paired like homeobox 2B; minus strand). Cytogenetic location: 4p13.
Variant type: single nucleotide variant.
Coding change: c.646G>T on transcript NM_003924.4 (MANE Select); coding-DNA position 646, G replaced by T.
Protein change: p.Gly216Cys; replaces glycine 216 with cysteine.
Molecular consequence: missense variant.
Genome position (GRCh38, 1-based): chr4:41,746,106, C>A on the plus strand (G>T on the coding strand, the complement: PHOX2B is on the minus strand). VCF-style: chr4-41746106-C-A. GRCh37 (hg19) VCF-style: chr4-41748123-C-A.
Other names: short protein forms G216C.
Identifiers: ClinVar variation 2560425 (VCV002560425.2), dbSNP rs2153112789, ClinGen allele CA356737522.